The following is an entry in ClinVar:

NM_002900.3(RBP3):c.2077G>A (p.Val693Met)

Gene: RBP3 (retinol binding protein 3; plus strand). Cytogenetic location: 10q11.22.
Variant type: single nucleotide variant.
Coding change: c.2077G>A on transcript NM_002900.3 (MANE Select); coding-DNA position 2077, G replaced by A.
Protein change: p.Val693Met; replaces valine 693 with methionine.
Molecular consequence: missense variant.
Genome position (GRCh38, 1-based): chr10:47,350,561, G>A. VCF-style: chr10-47350561-G-A. GRCh37 (hg19) VCF-style: chr10-48388801-C-T.
Other names: short protein forms V693M.
Identifiers: ClinVar variation 208314 (VCV000208314.16), dbSNP rs112888313, ClinGen allele CA350894.

ClinVar aggregate classification (germline): Benign. Review status: criteria provided, multiple submitters, no conflicts (2 of 4 stars). 4 submissions from 4 submitters: Benign (3). 1 of the submissions does not count toward it. Last evaluated 2026-02-03.

Conditions:
Retinitis pigmentosa 66 (RP66). Identifiers: Orphanet 791, MedGen C3715216, MONDO:0014093, OMIM 615233.
Retinitis pigmentosa (RP). Identifiers: Orphanet 791, MedGen C0035334, MeSH D012174, MONDO:0019200, OMIM 268000. Inheritance: Autosomal dominant, autosomal recessive and X linked inheritance.

Allele frequency attached by ClinVar (database versions not stated): gnomAD exomes 0.00097; ExAC 0.00287; 1000 Genomes Project 0.00599; 1000 Genomes Project 30x 0.00609; gnomAD 0.00802 and 0.00857; ESP Exome Variant Server 0.00878; TOPMed 0.00907.
gnomAD v4.1: 2,728 of 1,612,946 alleles (0.17%); highest among the groups gnomAD compares: African/African-American, 2.9%; 40 homozygotes.

Submissions (4):

Labcorp Genetics (formerly Invitae), Labcorp
Classification: Benign. Last evaluated: 2026-02-03. Review status: criteria provided, single submitter. Criteria: Invitae Variant Classification Sherloc (09022015). Collection method: clinical testing. Allele origin: germline.

Illumina Laboratory Services, Illumina
Classification: Benign for Retinitis pigmentosa. Last evaluated: 2017-04-27. Review status: criteria provided, single submitter. Criteria: ICSL Variant Classification Criteria 13 December 2019. Collection method: clinical testing. Allele origin: germline.
Comment: This variant was observed as part of a predisposition screen in an ostensibly healthy population. A literature search was performed for the gene, cDNA change, and amino acid change (where applicable). Publications were found based on this search. The evidence from the literature, in combination with allele frequency data from public databases where available, was sufficient to rule this variant out of causing disease. Therefore, this variant is classified as benign.

Breakthrough Genomics
Classification: Benign. Review status: criteria provided, single submitter. Criteria: ACMG Guidelines, 2015. Collection method: not provided. Allele origin: germline. Inheritance: Autosomal recessive inheritance. Affected: yes.

ClinVar Staff, National Center for Biotechnology Information (NCBI)
Classification: Uncertain significance for Retinitis pigmentosa 66. Last evaluated: 2013-06-27. Review status: no assertion criteria provided. Collection method: literature only. Allele origin: germline. Affected: yes. Not counted in ClinVar's aggregate classification.

Literature cited by the submitters: PubMed 19074801 (cited by Illumina Laboratory Services, Illumina and ClinVar Staff, National Center for Biotechnology Information (NCBI)); PubMed 24963161 (cited by Illumina Laboratory Services, Illumina); PubMed 27829784 (cited by Illumina Laboratory Services, Illumina).